The following is an entry in ClinVar:

ClinVar aggregate classification (germline): Uncertain significance (1 of 4 stars; one submission).

gnomAD v4.1: 1 of 1,613,962 alleles (0.000062%); highest among the groups gnomAD compares: Non-Finnish European, 0.000085%; no homozygotes.

Submission:

Labcorp Genetics (formerly Invitae), Labcorp
Classification: Uncertain significance. Last evaluated: 2021-08-20. Review status: criteria provided, single submitter. Criteria: Invitae Variant Classification Sherloc (09022015). Collection method: clinical testing. Allele origin: germline.
Comment: This sequence change replaces methionine with threonine at codon 576 of the PLK4 protein (p.Met576Thr). The methionine residue is moderately conserved and there is a moderate physicochemical difference between methionine and threonine. This variant is not present in population databases (ExAC no frequency). This variant has not been reported in the literature in individuals affected with PLK4-related conditions. Algorithms developed to predict the effect of missense changes on protein structure and function (SIFT, PolyPhen-2, Align-GVGD) all suggest that this variant is likely to be tolerated. In summary, the available evidence is currently insufficient to determine the role of this variant in disease. Therefore, it has been classified as a Variant of Uncertain Significance.

NM_014264.5(PLK4):c.1727T>C (p.Met576Thr)

Gene: PLK4 (polo like kinase 4; plus strand). Cytogenetic location: 4q28.1.
Variant type: single nucleotide variant.
Coding change: c.1727T>C on transcript NM_014264.5 (MANE Select); coding-DNA position 1727, T replaced by C.
Protein change: p.Met576Thr; replaces methionine 576 with threonine.
Molecular consequence: missense variant.
Genome position (GRCh38, 1-based): chr4:127,890,133, T>C. VCF-style: chr4-127890133-T-C. GRCh37 (hg19) VCF-style: chr4-128811288-T-C.
Other names: c.1631T>C, p.Met544Thr (NM_001190799.2); c.1604T>C, p.Met535Thr (NM_001190801.2); short protein forms M544T, M576T, M535T.
Identifiers: ClinVar variation 1484957 (VCV001484957.6), dbSNP rs2148820770, ClinGen allele CA358157136.